The following is an entry in ClinVar:

NM_015271.5(TRIM2):c.726A>C (p.Leu242Phe)

Gene: TRIM2 (tripartite motif containing 2; plus strand). Cytogenetic location: 4q31.3.
Variant type: single nucleotide variant.
Coding change: c.726A>C on transcript NM_015271.5 (MANE Select); coding-DNA position 726, A replaced by C.
Protein change: p.Leu242Phe; replaces leucine 242 with phenylalanine.
Molecular consequence: missense variant. On other transcripts: intron variant (2).
Genome position (GRCh38, 1-based): chr4:153,294,425, A>C. VCF-style: chr4-153294425-A-C. GRCh37 (hg19) VCF-style: chr4-154215577-A-C.
Other names: c.645A>C, p.Leu215Phe (NM_001130067.2, NM_001351056.2, NM_001375512.1 and 5 more transcripts); c.699A>C, p.Leu233Phe (NM_001351054.2); c.696A>C, p.Leu232Phe (NM_001351055.2); c.270A>C, p.Leu90Phe (NM_001351057.2); c.819A>C, p.Leu273Phe (NM_001375488.1); c.816A>C, p.Leu272Phe (NM_001375489.1); c.726A>C, p.Leu242Phe (NM_001375490.1); c.723A>C, p.Leu241Phe (NM_001375491.1); and 3 more; short protein forms L129F, L215F, L232F, L233F, L241F, L242F, L272F, L273F.
Identifiers: ClinVar variation 1718191 (VCV001718191.5), dbSNP rs754006831, ClinGen allele CA3108609.

ClinVar aggregate classification (germline): Uncertain significance (1 of 4 stars; one submission).

Conditions:
Charcot-Marie-Tooth disease type 2R. Also called: Charcot-Marie-Tooth disease, axonal, type 2R; CHARCOT-MARIE-TOOTH DISEASE, AXONAL, AUTOSOMAL RECESSIVE, TYPE 2R; CHARCOT-MARIE-TOOTH NEUROPATHY, TYPE 2R. Identifiers: Orphanet 397968, MedGen C3809655, MONDO:0014208, OMIM 615490.

Allele frequency attached by ClinVar (database versions not stated): gnomAD exomes below 0.00001; ExAC 0.00001.
gnomAD v4.1: 3 of 1,614,184 alleles (0.00019%); highest among the groups gnomAD compares: Non-Finnish European, 0.00025%; no homozygotes.

Submission:

Labcorp Genetics (formerly Invitae), Labcorp
Classification: Uncertain significance for Charcot-Marie-Tooth disease type 2R. Last evaluated: 2022-09-06. Review status: criteria provided, single submitter. Criteria: Invitae Variant Classification Sherloc (09022015). Collection method: clinical testing. Allele origin: germline.
Comment: In summary, the available evidence is currently insufficient to determine the role of this variant in disease. Therefore, it has been classified as a Variant of Uncertain Significance. Algorithms developed to predict the effect of missense changes on protein structure and function are either unavailable or do not agree on the potential impact of this missense change (SIFT: "Deleterious"; PolyPhen-2: "Probably Damaging"; Align-GVGD: "Class C15"). This variant has not been reported in the literature in individuals affected with TRIM2-related conditions. This variant is present in population databases (rs754006831, gnomAD 0.0009%). This sequence change replaces leucine, which is neutral and non-polar, with phenylalanine, which is neutral and non-polar, at codon 215 of the TRIM2 protein (p.Leu215Phe).